The following is an entry in ClinVar:

NM_000112.4(SLC26A2):c.1768_1769insGACTAAGCCAGGCATCAAGATTTTCCGCTTTGTAGCCCCTCTCTACTACA (p.Ile590delinsArgLeuSerGlnAlaSerArgPheSerAlaLeuTer)

Gene: SLC26A2 (solute carrier family 26 member 2; plus strand). Cytogenetic location: 5q32.
Variant type: Insertion.
Coding change: c.1768_1769insGACTAAGCCAGGCATCAAGATTTTCCGCTTTGTAGCCCCTCTCTACTACA on transcript NM_000112.4 (MANE Select); coding-DNA positions 1768 to 1769, GACTAAGCCAGGCATCAAGATTTTCCGCTTTGTAGCCCCTCTCTACTACA inserted.
Protein change: p.Ile590delinsArgLeuSerGlnAlaSerArgPheSerAlaLeuTer.
Molecular consequence: nonsense.
Genome position: GRCh38: chr5:149,981,361-149,981,362. GRCh37 (hg19): chr5:149,360,924-149,360,925.
Identifiers: ClinVar variation 3755941 (VCV003755941.2).

ClinVar aggregate classification (germline): Pathogenic (1 of 4 stars; one submission).

Conditions:
Diastrophic dysplasia (DTD). Also called: Diastrophic dwarfism. Identifiers: Orphanet 628, MedGen C0220726, MONDO:0009107, OMIM 222600.
Multiple epiphyseal dysplasia type 4 (EDM4). Also called: Multiple Epiphyseal Dysplasia, Recessive; MULTIPLE EPIPHYSEAL DYSPLASIA WITH BILAYERED PATELLAE; MULTIPLE EPIPHYSEAL DYSPLASIA WITH CLUBFOOT; MULTIPLE EPIPHYSEAL DYSPLASIA, AUTOSOMAL RECESSIVE; SLC26A2-Related Multiple Epiphyseal Dysplasia. Identifiers: Orphanet 93307, MedGen C1847593, MONDO:0009189, OMIM 226900.
Achondrogenesis, type IB (ACG1B). Also called: Achondrogenesis Type 1B. Identifiers: Orphanet 932, Orphanet 93298, MedGen C0265274, MONDO:0010966, OMIM 600972.
Atelosteogenesis type II (AO2). Also called: NEONATAL OSSEOUS DYSPLASIA I; Neonatal osseous dysplasia 1; SLC26A2-Related Atelosteogenesis. Identifiers: Orphanet 56304, MedGen C1850554, MONDO:0009727, OMIM 256050.

Submission:

Labcorp Genetics (formerly Invitae), Labcorp
Classification: Pathogenic for Atelosteogenesis type II; Multiple epiphyseal dysplasia type 4; Achondrogenesis, type IB; Diastrophic dysplasia. Last evaluated: 2025-05-06. Review status: criteria provided, single submitter. Criteria: Invitae Variant Classification Sherloc (09022015). Collection method: clinical testing. Allele origin: germline.
Comment: This sequence change creates a premature translational stop signal (p.Ile590Argfs*12) in the SLC26A2 gene. While this is not anticipated to result in nonsense mediated decay, it is expected to disrupt the last 150 amino acid(s) of the SLC26A2 protein. This variant is not present in population databases (gnomAD no frequency). This variant has not been reported in the literature in individuals affected with SLC26A2-related conditions. This variant disrupts a region of the SLC26A2 protein in which other variant(s) (p.Ala715Val) have been determined to be pathogenic (PMID: 8571951, 11448940, 15294877, 21077204, 21922596). This suggests that this is a clinically significant region of the protein, and that variants that disrupt it are likely to be disease-causing. For these reasons, this variant has been classified as Pathogenic.

Literature cited by the submitters: PubMed 8571951; PubMed 11448940; PubMed 15294877; PubMed 21077204; PubMed 21922596.